The following is an entry in ClinVar:

ClinVar aggregate classification (germline): Pathogenic (1 of 4 stars; one submission).

Conditions:
Hereditary cancer-predisposing syndrome. Also called: Neoplastic Syndromes, Hereditary; Tumor predisposition; Hereditary Cancer Syndrome; Hereditary neoplastic syndrome. Identifiers: Orphanet 140162, MedGen C0027672, MeSH D009386, MONDO:0015356.

Submission:

Ambry Genetics
Classification: Pathogenic for Hereditary cancer-predisposing syndrome. Last evaluated: 2025-08-28. Review status: criteria provided, single submitter. Criteria: Ambry Variant Classification Scheme 2023. Collection method: clinical testing. Allele origin: germline.
Comment: The c.2574_2575insTA pathogenic mutation, located in coding exon 16 of the ATM gene, results from an insertion of two nucleotides at position 2574, causing a translational frameshift with a predicted alternate stop codon (p.N859*). This variant is considered to be rare based on population cohorts in the Genome Aggregation Database (gnomAD). This alteration is expected to result in loss of function by premature protein truncation or nonsense-mediated mRNA decay. As such, this alteration is interpreted as a disease-causing mutation.

NM_000051.4(ATM):c.2574_2575insTA (p.Asn859Ter)

Gene: ATM (ATM serine/threonine kinase; plus strand). Cytogenetic location: 11q22.3.
Variant type: Insertion.
Coding change: c.2574_2575insTA on transcript NM_000051.4 (MANE Select); coding-DNA positions 2574 to 2575, TA inserted.
Protein change: p.Asn859Ter; replaces asparagine 859 with a stop codon.
Molecular consequence: nonsense.
Genome position: GRCh38 VCF-style: chr11-108267278-T-TTA. GRCh37 (hg19) VCF-style: chr11-108138005-T-TTA.
Other names: c.2574_2575insTA, p.Asn859Ter (NM_001351834.2); short protein forms N859*.
Identifiers: ClinVar variation 4170032 (VCV004170032.1).